The following is an entry in ClinVar:

ClinVar aggregate classification (germline): Benign. Review status: criteria provided, single submitter (1 of 4 stars). 2 submissions from 2 submitters: Benign (1). 1 of the submissions does not count toward it. Last evaluated 2026-01-02.

Conditions:
TRAF3IP2-related disorder. Also called: TRAF3IP2-related condition.
Candidiasis, familial, 8 (CANDF8). Identifiers: Orphanet 1334, MedGen C3714992, MONDO:0014230, OMIM 615527.

Allele frequency attached by ClinVar (database versions not stated): TOPMed 0.00023; gnomAD exomes 0.00012 and 0.00059; 1000 Genomes Project 0.00040; gnomAD 0.00011 and 0.00013; ExAC 0.00045; 1000 Genomes Project 30x 0.00047.
gnomAD v4.1: 187 of 1,613,824 alleles (0.012%); highest among the groups gnomAD compares: Admixed American, 0.3%; no homozygotes.

Submissions (2):

Labcorp Genetics (formerly Invitae), Labcorp
Classification: Benign for Candidiasis, familial, 8. Last evaluated: 2026-01-02. Review status: criteria provided, single submitter. Criteria: Invitae Variant Classification Sherloc (09022015). Collection method: clinical testing. Allele origin: germline.

PreventionGenetics, part of Exact Sciences
Classification: Likely benign for TRAF3IP2-related condition. Last evaluated: 2019-11-11. Review status: no assertion criteria provided. Collection method: clinical testing. Allele origin: germline. Not counted in ClinVar's aggregate classification.
Comment: This variant is classified as likely benign based on ACMG/AMP sequence variant interpretation guidelines (Richards et al. 2015 PMID: 25741868, with internal and published modifications).

NM_147686.4(TRAF3IP2):c.1020C>T (p.His340=)

Genes: TRAF3IP2 (TRAF3 interacting protein 2; minus strand), TRAF3IP2-AS1 (TRAF3IP2 antisense RNA 1; plus strand). Cytogenetic location: 6q21.
Variant type: single nucleotide variant.
Coding change: c.1020C>T on transcript NM_147686.4 (MANE Select); coding-DNA position 1020, C replaced by T.
Protein change: p.His340=; no amino-acid change (histidine 340 retained).
Molecular consequence: synonymous variant.
Genome position (GRCh38, 1-based): chr6:111,580,199, G>A on the plus strand (C>T on the coding strand, the complement: TRAF3IP2 is on the minus strand). VCF-style: chr6-111580199-G-A. GRCh37 (hg19) VCF-style: chr6-111901402-G-A.
Other names: c.1020C>T, p.His340= (NM_001164281.3); c.1047C>T, p.His349= (NM_147200.3).
Identifiers: ClinVar variation 769688 (VCV000769688.13), dbSNP rs200703649, ClinGen allele CA3963209.